The following is an entry in ClinVar:

NM_003072.5(SMARCA4):c.3127C>T (p.Arg1043Trp)

Gene: SMARCA4 (SWI/SNF related BAF chromatin remodeling complex subunit ATPase 4; plus strand). Cytogenetic location: 19p13.2.
Variant type: single nucleotide variant.
Coding change: c.3127C>T on transcript NM_003072.5 (MANE Select); coding-DNA position 3127, C replaced by T.
Protein change: p.Arg1043Trp; replaces arginine 1043 with tryptophan.
Molecular consequence: missense variant. On other transcripts: non-coding transcript variant (1).
Genome position (GRCh38, 1-based): chr19:11,025,467, C>T. VCF-style: chr19-11025467-C-T. GRCh37 (hg19) VCF-style: chr19-11136143-C-T.
Other names: c.3127C>T, p.Arg1043Trp (NM_001128844.3, NM_001128845.2, NM_001128846.2 and 5 more transcripts); short protein forms R1043W.
Identifiers: ClinVar variation 436813 (VCV000436813.13), dbSNP rs770014321, ClinGen allele CA404059229.

ClinVar aggregate classification (germline): Pathogenic/Likely pathogenic. Review status: criteria provided, multiple submitters, no conflicts (2 of 4 stars). 6 submissions from 6 submitters: Pathogenic (3); Likely pathogenic (3). Last evaluated 2025-03-28.

Conditions:
SMARCA4-related disorder. Also called: SMARCA4-related condition.
Intellectual disability, autosomal dominant 16 (CSS4). Also called: COFFIN-SIRIS SYNDROME 4. Identifiers: Orphanet 1465, MedGen C3553249, MONDO:0013821, OMIM 614609.

Submissions (6):

PreventionGenetics, part of Exact Sciences
Classification: Likely pathogenic for SMARCA4-related condition. Last evaluated: 2025-03-28. Review status: criteria provided, single submitter. Criteria: ACMG Guidelines, 2015. Collection method: clinical testing. Allele origin: germline.
Comment: The SMARCA4 c.3127C>T variant is predicted to result in the amino acid substitution p.Arg1043Trp. This variant was reported to have occurred de novo in at least two individuals with Coffin-Siris syndrome (Table 1, Santen et al. 2013. PubMed ID: 23929686; Table S2, Wei et al 2020. PubMed ID: 32978145; PMC5641751). This variant has not been reported in a large population database, indicating this variant is rare. A different nucleotide substitution affecting the same amino acid (p.Arg1043Leu) has also been reported de novo in an individual with Coffin-Siris syndrome (Table 4, Lee et al. 2021. PubMed ID: 34706719). Taken together, the c.3127C>T (p.Arg1043Trp) variant is interpreted as likely pathogenic.

GeneDx
Classification: Pathogenic. Last evaluated: 2024-04-04. Review status: criteria provided, single submitter. Criteria: GeneDx Variant Classification Process June 2021. Collection method: clinical testing. Allele origin: germline. Affected: yes.
Comment: Not observed at significant frequency in large population cohorts (gnomAD); In silico analysis supports that this missense variant has a deleterious effect on protein structure/function; This variant is associated with the following publications: (PMID: 32978145, 24658002, Mun2017[article], 23929686)

Clinical Genetics Laboratory, Skane University Hospital Lund
Classification: Pathogenic. Last evaluated: 2023-01-30. Review status: criteria provided, single submitter. Criteria: ACMG Guidelines, 2015. Collection method: clinical testing. Allele origin: germline. Affected: yes.

3billion
Classification: Pathogenic for Intellectual disability, autosomal dominant 16. Last evaluated: 2022-05-22. Review status: criteria provided, single submitter. Criteria: ACMG Guidelines, 2015. Collection method: clinical testing. Allele origin: germline. Affected: yes. Observed: 1 heterozygote.
Comment: The variant is not observed in the gnomAD v2.1.1 dataset. Missense changes are a common disease-causing mechanism. In silico tool predictions suggest damaging effect of the variant on gene or gene product (REVEL: 0.76; 3Cnet: 0.85). Same nucleotide change resulting in same amino acid change has been previously reported to be associated with SMARCA4 related disorder (ClinVar ID: VCV000436813 / PMID: 23929686). The variant has been previously reported as assumed (i.e. paternity and maternity not confirmed) de novo in at least one similarly affected unrelated individual (PMID:23929686). Therefore, this variant is classified as pathogenic according to the recommendation of ACMG/AMP guideline.

MGZ Medical Genetics Center
Classification: Likely pathogenic for Intellectual disability, autosomal dominant 16. Last evaluated: 2021-11-05. Review status: criteria provided, single submitter. Criteria: ACMG Guidelines, 2015. Collection method: clinical testing. Allele origin: germline. Affected: yes. Observed: 1 variant allele.
Comment: ACMG criteria applied: PS2, PM1, PM2_SUP, PP3

Genetic Services Laboratory, University of Chicago
Classification: Likely pathogenic for Mental retardation, autosomal dominant 16. Last evaluated: 2016-05-31. Review status: criteria provided, single submitter. Criteria: ACMG Guidelines, 2015. Collection method: clinical testing. Allele origin: germline. Affected: yes.

Literature cited by the submitters: PubMed 23929686 (cited by 3billion).